The following is an entry in ClinVar:

NM_001142800.2(EYS):c.8243dup (p.Leu2748fs)

Genes: EYS (EGF-like photoreceptor maintenance factor; minus strand), PHF3 (PHD finger protein 3; plus strand). Cytogenetic location: 6q12.
Variant type: Duplication.
Coding change: c.8243dup on transcript NM_001142800.2 (MANE Select); coding-DNA position 8243, one base duplicated (T; older notation c.8243dupT).
Protein change: p.Leu2748fs; shifts the reading frame from leucine 2748.
Molecular consequence: frameshift variant. On other transcripts: 3 prime UTR variant (5).
Genome position (GRCh38, 1-based): chr6:63,721,788, A duplicated on the plus strand (T on the coding strand, the reverse complement: EYS is on the minus strand); the first of 6 consecutive A bases (chr6:63,721,788-63,721,793); duplicating any one gives the same sequence. VCF-style (leftmost placement, unchanged base first): chr6-63721787-T-TA. GRCh37 (hg19) VCF-style: chr6-64431683-T-TA.
Other names: c.*8085dup (NM_001290259.2, NM_001370348.2, NM_001370349.2 and 2 more transcripts); c.8306dup, p.Leu2769fs (NM_001292009.2); c.8243dupT (NM_001142800.2); short protein forms L2769fs, L2748fs.
Identifiers: ClinVar variation 618633 (VCV000618633.19), dbSNP rs1240944758, ClinGen allele CA568119007.
Genomic context (GRCh38, chr6:63,721,787, plus strand): 5'-GATAGTTCTGTCGCCAAGGTTGTAGCGAAGTTGAACGGAACTATTTACTAAAGAGATGCA[T>TA]AAAAAATCACCTGCAAGAAAGCAAACAGTAAGTTTGATTAGCAACAGTAAAAGTTTCCAT-3'

ClinVar aggregate classification (germline): Conflicting classifications of pathogenicity. Review status: criteria provided, conflicting classifications (1 of 4 stars). 8 submissions from 8 submitters: Pathogenic (3); Likely pathogenic (4); Uncertain significance (1). Last evaluated 2026-01-26.

Conditions:
Retinitis pigmentosa 25 (RP25). Identifiers: Orphanet 791, MedGen C1864446, MONDO:0011272, OMIM 602772.
Retinal dystrophy. Also called: Inherited retinal dystrophy. Identifiers: Orphanet 71862, MedGen C0854723, MeSH D058499, MONDO:0019118, HP:0000556.
EYS-related disorder. Also called: EYS-related condition.

Submissions (8):

Labcorp Genetics (formerly Invitae), Labcorp
Classification: Pathogenic. Last evaluated: 2026-01-26. Review status: criteria provided, single submitter. Criteria: Invitae Variant Classification Sherloc (09022015). Collection method: clinical testing. Allele origin: germline.
Comment: This sequence change creates a premature translational stop signal (p.Leu2748Phefs*8) in the EYS gene. While this is not anticipated to result in nonsense mediated decay, it is expected to disrupt the last 397 amino acid(s) of the EYS protein. This variant is present in population databases (no rsID available, gnomAD 0.01%). This premature translational stop signal has been observed in individual(s) with retinitis pigmentosa (PMID: 25356976). This variant is also known as c.8244_8245insT. ClinVar contains an entry for this variant (Variation ID: 618633). This variant disrupts a region of the EYS protein in which other variant(s) (p.Tyr3135*) have been determined to be pathogenic (PMID: 18976725, 29159838, 30337596, 31074760). This suggests that this is a clinically significant region of the protein, and that variants that disrupt it are likely to be disease-causing. For these reasons, this variant has been classified as Pathogenic.

PreventionGenetics, part of Exact Sciences
Classification: Likely pathogenic for EYS-related condition. Last evaluated: 2025-11-12. Review status: criteria provided, single submitter. Criteria: ACMG Guidelines, 2015. Collection method: clinical testing. Allele origin: germline.
Comment: The EYS c.8243dupT variant is predicted to result in a frameshift and premature protein termination (p.Leu2748Phefs*8). This variant has been reported in an individual with inherited retinal disease (referred to as c.8244_8245insT in Huang et al. 2015. PubMed ID: 25356976). This variant is reported in 0.0094% of alleles in individuals of East Asian descent in gnomAD. This variant resides in the final exon of this gene, and it is unclear if the resulting mRNA would undergo nonsense-mediated decay; however, there are mulitple documented causative loss of function variants downstream of the p.8243dupT variant identified in this individual. This variant is interpreted as likely pathogenic.

3billion
Classification: Pathogenic for Retinitis pigmentosa 25. Last evaluated: 2025-04-30. Review status: criteria provided, single submitter. Criteria: ACMG Guidelines, 2015. Collection method: clinical testing. Allele origin: germline. Affected: yes.
Comment: The variant is observed at an extremely low frequency in the gnomAD v4.1.0 dataset (total allele frequency: 0.001%). Predicted Consequence/Location: Frameshift: predicted to result in a loss or disruption of normal protein function through protein truncation. Multiple pathogenic variants are reported in the predicted truncated region. The variant has been reported at least twice as pathogenic with clinical assertions and evidence for the classification (ClinVar ID: VCV000618633 / PMID: 25356976 / 3billion dataset). Therefore, this variant is classified as Pathogenic according to the recommendation of ACMG/AMP guideline.

SingHealth Duke-NUS Institute of Precision Medicine
Classification: Likely pathogenic for Retinitis pigmentosa 25. Last evaluated: 2025-02-05. Review status: criteria provided, single submitter. Criteria: PRISM ACMG Classification Criteria. Collection method: clinical testing. Allele origin: germline. Affected: yes.
Comment: Variant is predicted to cause LOF and truncates more than 10% of the protein (PVS1). Homozygous allele count in gnomAD exomes and genomes are less than 0 (PM2)

Natera, Inc.
Classification: Likely pathogenic for Retinitis pigmentosa type 25. Last evaluated: 2024-11-18. Review status: criteria provided, single submitter. Criteria: Natera Variant Classification Schema (03/2026). Collection method: clinical testing. Allele origin: germline.
Comment: The c.8243dupT variant in EYS is a frameshift variant predicted to shift the reading frame beginning at codon 2748 and leads to a stop codon 8 codons downstream. This variant is expected to result in nonsense mediated decay, truncation, or a dysfunctional protein product. This variant is rare in the general population with a frequency below the threshold expected for the associated phenotype(s). This variant has been observed in one or more individuals affected with the associated recessive disease, as either homozygous or compound heterozygous with a second variant (PMID: 25356976). Given the available evidence, this variant is classified as Likely Pathogenic.

Baylor Genetics
Classification: Pathogenic for Retinitis pigmentosa 25. Last evaluated: 2023-11-30. Review status: criteria provided, single submitter. Criteria: ACMG Guidelines, 2015. Collection method: clinical testing. Allele origin: unknown.

Dept Of Ophthalmology, Nagoya University
Classification: Uncertain significance for Retinal dystrophy. Last evaluated: 2023-10-01. Review status: criteria provided, single submitter. Criteria: Submitter's publication. Collection method: research. Allele origin: germline. Affected: yes.

Blueprint Genetics
Classification: Likely pathogenic for EYS-related disorders. Last evaluated: 2022-01-02. Review status: criteria provided, single submitter. Criteria: ACMG Guidelines, 2015. Collection method: clinical testing. Allele origin: germline. Affected: yes. Observed: 1 variant allele.

Literature cited by the submitters: PubMed 25356976 (cited by 3 submitters); PubMed 18976725 (cited by Labcorp Genetics (formerly Invitae), Labcorp); PubMed 29159838 (cited by Labcorp Genetics (formerly Invitae), Labcorp); PubMed 30337596 (cited by Labcorp Genetics (formerly Invitae), Labcorp); PubMed 31074760 (cited by Labcorp Genetics (formerly Invitae), Labcorp).